The following is an entry in ClinVar:

ClinVar aggregate classification (germline): Uncertain significance. Review status: criteria provided, single submitter (1 of 4 stars). 2 submissions from 2 submitters: Uncertain significance (1). 1 of the submissions does not count toward it. Last evaluated 2026-01-05.

Conditions:
Epidermolysis bullosa dystrophica. Also called: Dystrophic epidermolysis bullosa; Dystrophic epidermolysis bullosa, Hallopeau-Siemens type (formerly). Identifiers: Orphanet 303, MedGen C0079294, MONDO:0006543.

Allele frequency attached by ClinVar (database versions not stated): gnomAD exomes below 0.00001; ExAC 0.00001; gnomAD 0.00001; TOPMed 0.00003.
gnomAD v4.1: 24 of 1,613,986 alleles (0.0015%); highest among the groups gnomAD compares: Middle Eastern, 0.016%; no homozygotes.

Submissions (2):

Labcorp Genetics (formerly Invitae), Labcorp
Classification: Uncertain significance. Last evaluated: 2026-01-05. Review status: criteria provided, single submitter. Criteria: Invitae Variant Classification Sherloc (09022015). Collection method: clinical testing. Allele origin: germline.
Comment: This sequence change affects codon 2152 of the COL7A1 mRNA. It is a 'silent' change, meaning that it does not change the encoded amino acid sequence of the COL7A1 protein. This variant also falls at the last nucleotide of exon 78, which is part of the consensus splice site for this exon. This variant is present in population databases (rs746447568, gnomAD 0.0009%). This variant has not been reported in the literature in individuals affected with COL7A1-related conditions. ClinVar contains an entry for this variant (Variation ID: 1038660). Variants that disrupt the consensus splice site are a relatively common cause of aberrant splicing (PMID: 17576681, 9536098). Algorithms developed to predict the effect of sequence changes on RNA splicing suggest that this variant may disrupt the consensus splice site. In summary, the available evidence is currently insufficient to determine the role of this variant in disease. Therefore, it has been classified as a Variant of Uncertain Significance.

Natera, Inc.
Classification: Uncertain significance for Dystrophic epidermolysis bullosa. Last evaluated: 2020-05-21. Review status: no assertion criteria provided. Collection method: clinical testing. Allele origin: germline. Not counted in ClinVar's aggregate classification.

Literature cited by the submitters: PubMed 17576681 (cited by Labcorp Genetics (formerly Invitae), Labcorp); PubMed 9536098 (cited by Labcorp Genetics (formerly Invitae), Labcorp).

NM_000094.4(COL7A1):c.6456G>A (p.Pro2152=)

Gene: COL7A1 (collagen type VII alpha 1 chain; minus strand). Cytogenetic location: 3p21.31.
Variant type: single nucleotide variant.
Coding change: c.6456G>A on transcript NM_000094.4 (MANE Select); coding-DNA position 6456, G replaced by A.
Protein change: p.Pro2152=; no amino-acid change (proline 2152 retained).
Molecular consequence: synonymous variant.
Genome position (GRCh38, 1-based): chr3:48,574,488, C>T on the plus strand (G>A on the coding strand, the complement: COL7A1 is on the minus strand). VCF-style: chr3-48574488-C-T. GRCh37 (hg19) VCF-style: chr3-48611921-C-T.
Identifiers: ClinVar variation 1038660 (VCV001038660.4), dbSNP rs746447568, ClinGen allele CA2379038.